The following is an entry in ClinVar:

ClinVar aggregate classification (germline): Conflicting classifications of pathogenicity. Review status: criteria provided, conflicting classifications (1 of 4 stars). 4 submissions from 4 submitters: Uncertain significance (2); Likely benign (2). Last evaluated 2025-06-09.

Conditions:
Microcephaly, normal intelligence and immunodeficiency (NBS). Also called: Nijmegen breakage syndrome; Microcephaly with normal intelligence immunodeficiency and lymphoreticular malignancies; Nonsyndromal microcephaly autosomal recessive with normal intelligence; Seemanova syndrome 2; Ataxia telangiectasia variant V1; BERLIN BREAKAGE SYNDROME. Identifiers: Orphanet 647, MedGen C0398791, MONDO:0009623, OMIM 251260.

Submissions (4):

Labcorp Genetics (formerly Invitae), Labcorp
Classification: Likely benign for Microcephaly, normal intelligence and immunodeficiency. Last evaluated: 2025-06-09. Review status: criteria provided, single submitter. Criteria: Invitae Variant Classification Sherloc (09022015). Collection method: clinical testing. Allele origin: germline.

Genome-Nilou Lab
Classification: Uncertain significance for Microcephaly, normal intelligence and immunodeficiency. Last evaluated: 2021-11-07. Review status: criteria provided, single submitter. Criteria: ACMG Guidelines, 2015. Collection method: clinical testing. Allele origin: germline. Affected: no.

Quest Diagnostics Nichols Institute San Juan Capistrano
Classification: Uncertain significance. Last evaluated: 2020-07-03. Review status: criteria provided, single submitter. Criteria: Quest Diagnostics criteria. Collection method: clinical testing. Allele origin: unknown.

GeneDx
Classification: Likely benign. Last evaluated: 2017-04-12. Review status: criteria provided, single submitter. Criteria: GeneDx Variant Classification (06012015). Collection method: clinical testing. Allele origin: germline. Affected: yes.
Comment: This variant is considered likely benign or benign based on one or more of the following criteria: it is a conservative change, it occurs at a poorly conserved position in the protein, it is predicted to be benign by multiple in silico algorithms, and/or has population frequency not consistent with disease.

NM_002485.5(NBN):c.584+6T>C

Gene: NBN (nibrin; minus strand). Cytogenetic location: 8q21.3.
Variant type: single nucleotide variant.
Coding change: c.584+6T>C on transcript NM_002485.5 (MANE Select); 6 bases into the intron after coding-DNA position 584, T replaced by C.
Molecular consequence: intron variant.
Genome position (GRCh38, 1-based): chr8:89,978,214, A>G on the plus strand (T>C on the coding strand, the complement: NBN is on the minus strand). VCF-style: chr8-89978214-A-G. GRCh37 (hg19) VCF-style: chr8-90990442-A-G.
Other names: c.338+6T>C (NM_001024688.3).
Identifiers: ClinVar variation 508955 (VCV000508955.14), dbSNP rs1554566602, ClinGen allele CA658797119.